The following is an entry in ClinVar:

NM_024675.4(PALB2):c.2339G>T (p.Gly780Val)

Gene: PALB2 (partner and localizer of BRCA2; minus strand). Cytogenetic location: 16p12.2.
Variant type: single nucleotide variant.
Coding change: c.2339G>T on transcript NM_024675.4 (MANE Select); coding-DNA position 2339, G replaced by T.
Protein change: p.Gly780Val; replaces glycine 780 with valine.
Molecular consequence: missense variant.
Genome position (GRCh38, 1-based): chr16:23,629,815, C>A on the plus strand (G>T on the coding strand, the complement: PALB2 is on the minus strand). VCF-style: chr16-23629815-C-A. GRCh37 (hg19) VCF-style: chr16-23641136-C-A.
Other names: c.2339G>T (NM_024675.3); short protein forms G780V.
Identifiers: ClinVar variation 1354480 (VCV001354480.10), dbSNP rs1966857283, ClinGen allele CA395124973.

ClinVar aggregate classification (germline): Uncertain significance. Review status: criteria provided, multiple submitters, no conflicts (2 of 4 stars). 2 submissions from 2 submitters: Uncertain significance (2). Last evaluated 2023-03-19.

Conditions:
Hereditary cancer-predisposing syndrome. Also called: Neoplastic Syndromes, Hereditary; Tumor predisposition; Hereditary neoplastic syndrome; Hereditary Cancer Syndrome. Identifiers: Orphanet 140162, MedGen C0027672, MeSH D009386, MONDO:0015356.
Familial cancer of breast. Also called: hereditary breast carcinoma; Hereditary breast cancer; BREAST CANCER, FAMILIAL. Identifiers: Orphanet 227535, MedGen C0346153, MONDO:0016419, OMIM 114480. Disease mechanism: loss of function.

Submissions (2):

Labcorp Genetics (formerly Invitae), Labcorp
Classification: Uncertain significance for Familial cancer of breast. Last evaluated: 2023-03-19. Review status: criteria provided, single submitter. Criteria: Invitae Variant Classification Sherloc (09022015). Collection method: clinical testing. Allele origin: germline.
Comment: This sequence change replaces glycine, which is neutral and non-polar, with valine, which is neutral and non-polar, at codon 780 of the PALB2 protein (p.Gly780Val). This variant is not present in population databases (gnomAD no frequency). This variant has not been reported in the literature in individuals affected with PALB2-related conditions. ClinVar contains an entry for this variant (Variation ID: 1354480). Advanced modeling of protein sequence and biophysical properties (such as structural, functional, and spatial information, amino acid conservation, physicochemical variation, residue mobility, and thermodynamic stability) performed at Invitae indicates that this missense variant is not expected to disrupt PALB2 protein function. In summary, the available evidence is currently insufficient to determine the role of this variant in disease. Therefore, it has been classified as a Variant of Uncertain Significance.

Ambry Genetics
Classification: Uncertain significance for Hereditary cancer-predisposing syndrome. Last evaluated: 2022-11-17. Review status: criteria provided, single submitter. Criteria: Ambry Variant Classification Scheme 2023. Collection method: clinical testing. Allele origin: germline.
Comment: The p.G780V variant (also known as c.2339G>T), located in coding exon 5 of the PALB2 gene, results from a G to T substitution at nucleotide position 2339. The glycine at codon 780 is replaced by valine, an amino acid with dissimilar properties. This amino acid position is conserved. In addition, this alteration is predicted to be tolerated by in silico analysis. Since supporting evidence is limited at this time, the clinical significance of this alteration remains unclear.